The following is an entry in ClinVar:

ClinVar aggregate classification (germline): Uncertain significance (1 of 4 stars; one submission).

Conditions:
Arterial tortuosity syndrome (ATORS). Identifiers: Orphanet 3342, MedGen C1859726, MONDO:0008818, OMIM 208050.

Allele frequency attached by ClinVar (database versions not stated): gnomAD exomes below 0.00001; gnomAD 0.00001; TOPMed 0.00001.

Submission:

Labcorp Genetics (formerly Invitae), Labcorp
Classification: Uncertain significance for Arterial tortuosity syndrome. Last evaluated: 2024-12-10. Review status: criteria provided, single submitter. Criteria: Invitae Variant Classification Sherloc (09022015). Collection method: clinical testing. Allele origin: germline.
Comment: This sequence change replaces glutamic acid, which is acidic and polar, with lysine, which is basic and polar, at codon 205 of the SLC2A10 protein (p.Glu205Lys). This variant is not present in population databases (gnomAD no frequency). This variant has not been reported in the literature in individuals affected with SLC2A10-related conditions. ClinVar contains an entry for this variant (Variation ID: 1502801). Invitae Evidence Modeling of protein sequence and biophysical properties (such as structural, functional, and spatial information, amino acid conservation, physicochemical variation, residue mobility, and thermodynamic stability) indicates that this missense variant is not expected to disrupt SLC2A10 protein function with a negative predictive value of 95%. Algorithms developed to predict the effect of sequence changes on RNA splicing suggest that this variant may create or strengthen a splice site. In summary, the available evidence is currently insufficient to determine the role of this variant in disease. Therefore, it has been classified as a Variant of Uncertain Significance.

NM_030777.4(SLC2A10):c.613G>A (p.Glu205Lys)

Gene: SLC2A10 (solute carrier family 2 member 10; plus strand). Cytogenetic location: 20q13.12.
Variant type: single nucleotide variant.
Coding change: c.613G>A on transcript NM_030777.4 (MANE Select); coding-DNA position 613, G replaced by A.
Protein change: p.Glu205Lys; replaces glutamic acid 205 with lysine.
Molecular consequence: missense variant.
Genome position (GRCh38, 1-based): chr20:46,725,649, G>A. VCF-style: chr20-46725649-G-A. GRCh37 (hg19) VCF-style: chr20-45354288-G-A.
Other names: short protein forms E205K.
Identifiers: ClinVar variation 1502801 (VCV001502801.6), dbSNP rs917083925, ClinGen allele CA315755870.
Genomic context (GRCh38, chr20:46,725,649, plus strand): 5'-CTCCCTGCTGGTACAGATGAGACTGCAACACACAAGGACCTCATCCCACTCCAGGGAGGT[G>A]AGGCCCCCAAGCTGGGCCCGGGGAGGCCACGGTACTCCTTTCTGGACCTCTTCAGGGCAC-3'
Protein context (NP_110404.1, residues 195-215): HKDLIPLQGG[Glu205Lys]APKLGPGRPR